The following is an entry in ClinVar:

ClinVar aggregate classification (germline): Likely benign (1 of 4 stars; one submission).

Conditions:
3-methylcrotonyl-CoA carboxylase 2 deficiency. Also called: METHYLCROTONYLGLYCINURIA, TYPE II; 3 alpha methylcrotonyl-CoA carboxylase 2 deficiency; 3 alpha methylcrotonylglycinuria 2; MCC 2 deficiency; Methylcrotonylglycinuria type 2. Identifiers: Orphanet 6, MedGen C1859499, MONDO:0008862, OMIM 210210.

Allele frequency attached by ClinVar (database versions not stated): gnomAD exomes 0.00216; 1000 Genomes Project 0.00739; 1000 Genomes Project 30x 0.00812; gnomAD 0.00818 and 0.00871; TOPMed 0.00921.

Submission:

Illumina Laboratory Services, Illumina
Classification: Likely benign for 3-methylcrotonyl-CoA carboxylase 2 deficiency. Last evaluated: 2018-01-12. Review status: criteria provided, single submitter. Criteria: ICSL Variant Classification Criteria 13 December 2019. Collection method: clinical testing. Allele origin: germline.
Comment: This variant was observed in the ICSL laboratory as part of a predisposition screen in an ostensibly healthy population. It had not been previously curated by ICSL or reported in the Human Gene Mutation Database (HGMD: prior to June 1st, 2018), and was therefore a candidate for classification through an automated scoring system. Utilizing variant allele frequency, disease prevalence and penetrance estimates, and inheritance mode, an automated score was calculated to assess if this variant is too frequent to cause the disease. Based on the score and internal cut-off values, a variant classified as likely benign is not then subjected to further curation. The score for this variant resulted in a classification of likely benign for this disease.

NM_022132.5(MCCC2):c.*577T>A

Gene: MCCC2 (methylcrotonyl-CoA carboxylase subunit 2; plus strand). Cytogenetic location: 5q13.2.
Variant type: single nucleotide variant.
Coding change: c.*577T>A on transcript NM_022132.5 (MANE Select); 577 bases downstream of the stop codon, T replaced by A.
Molecular consequence: 3 prime UTR variant.
Genome position (GRCh38, 1-based): chr5:71,657,437, T>A. VCF-style: chr5-71657437-T-A. GRCh37 (hg19) VCF-style: chr5-70953264-T-A.
Other names: c.*577T>A (NM_001363147.1).
Identifiers: ClinVar variation 354111 (VCV000354111.5), dbSNP rs150412501, ClinGen allele CA10624893.
Genomic context (GRCh38, chr5:71,657,437, plus strand): 5'-AAACAACAGCGCTCCCCATTTCCCCCTCCCCCGAGCCCATGACATCTCCTTATTATTATT[T>A]TTTTTTTGAGACAGGGTGTTTCTCTGTTGCCCAGGCTGGAGTGCGGTGGTGTGATCTCGG-3'